The following is an entry in ClinVar:

ClinVar aggregate classification (germline): Uncertain significance. Review status: criteria provided, multiple submitters, no conflicts (2 of 4 stars). 2 submissions from 2 submitters: Uncertain significance (2). Last evaluated 2026-06-04.

Conditions:
APOE-related disorder. Also called: APOE-related condition.

Submissions (2):

PreventionGenetics, part of Exact Sciences
Classification: Uncertain significance for APOE-related condition. Last evaluated: 2026-06-04. Review status: criteria provided, single submitter. Criteria: ACMG Guidelines, 2015. Collection method: clinical testing. Allele origin: germline.
Comment: The APOE c.503G>A variant is predicted to result in the amino acid substitution p.Arg168His. This variant, also referred to as p.Arg150His in legacy literature, has been reported in a heterozygous state in two individuals with hyperlipidemia who both were also homozygous for the E2 isoform (Roth et al. 2020. Epidemiology of Cardiovascular Disease. Abstract 196; Bea et al. 2023. PubMed ID: 37051929) and has also been identified in two unrelated individuals with no serum lipid abnormalities (Stephens et al. 2005. PubMed ID: 15514092; Abou Ziki et al. 2014. PubMed ID: 24239320). In silico analysis predicted the p.Arg168His variant to be damaging as this alteration replaces a positively charged residue in a highly conserved region with a smaller residue that is neutrally charged at physiological pH (Abdalla et al. 2017. DOI: 10.19080/CTBEB.2017.05.555653). Alternate variants at the same amino acid position (p.Arg168Cys, p.Arg168Pro) have been reported in individuals affected with lipoprotein glomerulopathy (Table S1, Liu et al. 2023. PubMed ID: 37217505; Luo et al. 2007. PubMed ID: 18046082; Ku et al. 2019. PubMed ID: 30614865). Additionally, structural analysis has suggested that the Arg168 residue is part of the receptor-binding domain (residues 154-168) which is critical for functional protein binding and folding (Hatters et al. 2006. PubMed ID: 16820298; Mahley et al. 2009. PubMed ID: 19106071; Abou Khalil et al. 2021. PubMed ID: 34058468). The c.503G>A variant is reported in 0.13% of alleles in individuals of African descent in gnomAD which may be too high to be causative for APOE-related conditions. At this time, the clinical significance of this variant is uncertain due to the absence of conclusive functional and genetic evidence.

Mayo Clinic Laboratories, Mayo Clinic
Classification: Uncertain significance. Last evaluated: 2024-08-02. Review status: criteria provided, single submitter. Criteria: ACMG Guidelines, 2015. Collection method: clinical testing. Allele origin: germline. Observed: 1 variant allele.

Literature cited by the submitters: PubMed 15514092 (cited by Mayo Clinic Laboratories, Mayo Clinic); PubMed 24239320 (cited by Mayo Clinic Laboratories, Mayo Clinic); PubMed 36809323 (cited by Mayo Clinic Laboratories, Mayo Clinic); PubMed 37051929 (cited by Mayo Clinic Laboratories, Mayo Clinic).

NM_000041.4(APOE):c.503G>A (p.Arg168His)

Gene: APOE (apolipoprotein E; plus strand). Cytogenetic location: 19q13.32.
Variant type: single nucleotide variant.
Coding change: c.503G>A on transcript NM_000041.4 (MANE Select); coding-DNA position 503, G replaced by A.
Protein change: p.Arg168His; replaces arginine 168 with histidine.
Molecular consequence: missense variant.
Genome position (GRCh38, 1-based): chr19:44,908,799, G>A. VCF-style: chr19-44908799-G-A. GRCh37 (hg19) VCF-style: chr19-45412056-G-A.
Other names: p.Arg168His; c.503G>A (NM_000041.3); c.581G>A, p.Arg194His (NM_001302688.2); c.503G>A, p.Arg168His (NM_001302689.2, NM_001302690.2, NM_001302691.2); short protein forms R168H, R194H.
Identifiers: ClinVar variation 3380625 (VCV003380625.2).
Genomic context (GRCh38, chr19:44,908,799, plus strand): 5'-CCGAGGAGCTGCGGGTGCGCCTCGCCTCCCACCTGCGCAAGCTGCGTAAGCGGCTCCTCC[G>A]CGATGCCGATGACCTGCAGAAGCGCCTGGCAGTGTACCAGGCCGGGGCCCGCGAGGGCGC-3'
Protein context (NP_000032.1, residues 158-178): HLRKLRKRLL[Arg168His]DADDLQKRLA